The following is an entry in ClinVar:

ClinVar aggregate classification (germline): Uncertain significance (1 of 4 stars; one submission).

Submission:

Ambry Genetics
Classification: Uncertain significance. Last evaluated: 2026-03-29. Review status: criteria provided, single submitter. Criteria: Ambry Variant Classification Scheme 2023. Collection method: clinical testing. Allele origin: germline.
Comment: The p.H372Y variant (also known as c.1114C>T), located in coding exon 4 of the WNK2 gene, results from a C to T substitution at nucleotide position 1114. The histidine at codon 372 is replaced by tyrosine, an amino acid with similar properties. This amino acid position is conserved. In addition, this alteration is predicted to be tolerated by in silico analysis. Based on the available evidence, the clinical significance of this variant remains unclear.

NM_006648.4(WNK2):c.1114C>T (p.His372Tyr)

Gene: WNK2 (WNK lysine deficient protein kinase 2; plus strand). Cytogenetic location: 9q22.31.
Variant type: single nucleotide variant.
Coding change: c.1114C>T on transcript NM_006648.4 (MANE Select); coding-DNA position 1114, C replaced by T.
Protein change: p.His372Tyr; replaces histidine 372 with tyrosine.
Molecular consequence: missense variant.
Genome position (GRCh38, 1-based): chr9:93,234,846, C>T. VCF-style: chr9-93234846-C-T. GRCh37 (hg19) VCF-style: chr9-95997128-C-T.
Other names: c.1114C>T, p.His372Tyr (NM_001282394.3); short protein forms H372Y.
Identifiers: ClinVar variation 4866547 (VCV004866547.1).